The following is an entry in ClinVar:

NM_000168.6(GLI3):c.3622G>T (p.Gly1208Trp)

Gene: GLI3 (GLI family zinc finger 3; minus strand). Cytogenetic location: 7p14.1.
Variant type: single nucleotide variant.
Coding change: c.3622G>T on transcript NM_000168.6 (MANE Select); coding-DNA position 3622, G replaced by T.
Protein change: p.Gly1208Trp; replaces glycine 1208 with tryptophan.
Molecular consequence: missense variant.
Genome position (GRCh38, 1-based): chr7:41,965,451, C>A on the plus strand (G>T on the coding strand, the complement: GLI3 is on the minus strand). VCF-style: chr7-41965451-C-A. GRCh37 (hg19) VCF-style: chr7-42005049-C-A.
Other names: short protein forms G1208W.
Identifiers: ClinVar variation 908984 (VCV000908984.9), dbSNP rs369440387, ClinGen allele CA4230317.

ClinVar aggregate classification (germline): Conflicting classifications of pathogenicity. Review status: criteria provided, conflicting classifications (1 of 4 stars). 5 submissions from 3 submitters: Uncertain significance (1); Benign (1); Likely benign (3). Last evaluated 2025-09-05.

Conditions:
Polydactyly. Also called: polydactylism. Identifiers: MedGen C0152427, MONDO:0021003, OMIM 603596, HP:0010442.
Greig cephalopolysyndactyly syndrome (GCPS). Also called: Greig syndrome; POLYSYNDACTYLY WITH PECULIAR SKULL SHAPE; GLI3-Related Greig Cephalopolysyndactyly Syndrome. Identifiers: Orphanet 380, MedGen C0265306, MONDO:0008287, OMIM 175700.
Pallister-Hall syndrome (PHS). Also called: HYPOTHALAMIC HAMARTOBLASTOMA, HYPOPITUITARISM, IMPERFORATE ANUS, AND POSTAXIAL POLYDACTYLY; GLI3-Related Pallister-Hall Syndrome. Identifiers: Orphanet 672, MedGen C0265220, MONDO:0007804, OMIM 146510.
Inborn genetic diseases. Identifiers: MedGen C0950123, MeSH D030342.

Allele frequency attached by ClinVar (database versions not stated): TOPMed 0.00003; ESP Exome Variant Server 0.00008.
gnomAD v4.1: 51 of 1,607,922 alleles (0.0032%); highest among the groups gnomAD compares: Non-Finnish European, 0.0042%; no homozygotes.

Submissions (5):

Ambry Genetics
Classification: Uncertain significance for Inborn genetic diseases. Last evaluated: 2025-09-05. Review status: criteria provided, single submitter. Criteria: Ambry Variant Classification Scheme 2023. Collection method: clinical testing. Allele origin: germline.

Labcorp Genetics (formerly Invitae), Labcorp
Classification: Benign for Pallister-Hall syndrome; Greig cephalopolysyndactyly syndrome. Last evaluated: 2025-06-12. Review status: criteria provided, single submitter. Criteria: Invitae Variant Classification Sherloc (09022015). Collection method: clinical testing. Allele origin: germline.

Illumina Laboratory Services, Illumina
Classification: Likely benign for Polydactyly. Last evaluated: 2018-01-13. Review status: criteria provided, single submitter. Criteria: ICSL Variant Classification Criteria 13 December 2019. Collection method: clinical testing. Allele origin: germline.
Comment: This variant was observed in the ICSL laboratory as part of a predisposition screen in an ostensibly healthy population. It had not been previously curated by ICSL or reported in the Human Gene Mutation Database (HGMD: prior to June 1st, 2018), and was therefore a candidate for classification through an automated scoring system. Utilizing variant allele frequency, disease prevalence and penetrance estimates, and inheritance mode, an automated score was calculated to assess if this variant is too frequent to cause the disease. Based on the score and internal cut-off values, a variant classified as likely benign is not then subjected to further curation. The score for this variant resulted in a classification of likely benign for this disease.

Illumina Laboratory Services, Illumina
Classification: Likely benign for Pallister-Hall syndrome. Last evaluated: 2018-01-13. Review status: criteria provided, single submitter. Criteria: ICSL Variant Classification Criteria 13 December 2019. Collection method: clinical testing. Allele origin: germline.
Comment: the same text as in the submission from Illumina Laboratory Services, Illumina above.

Illumina Laboratory Services, Illumina
Classification: Likely benign for Greig cephalopolysyndactyly syndrome. Last evaluated: 2018-01-13. Review status: criteria provided, single submitter. Criteria: ICSL Variant Classification Criteria 13 December 2019. Collection method: clinical testing. Allele origin: germline.
Comment: the same text as in the submission from Illumina Laboratory Services, Illumina above.